The following is an entry in ClinVar:

NC_012920.1(MT-ND4):m.11043A>G

Gene: MT-ND4 (mitochondrially encoded NADH dehydrogenase 4; plus strand).
Variant type: single nucleotide variant.
Genome position: chrM-11043-A-G.
Identifiers: ClinVar variation 693337 (VCV000693337.1), dbSNP rs1603223072, ClinGen allele CA414809338.

ClinVar aggregate classification (germline): Uncertain significance (1 of 4 stars; one submission).

Conditions:
Leigh syndrome (NULS). Also called: Leigh's necrotizing encephalopathy; Leigh's disease; Leigh Syndrome (mtDNA deletion); Leigh Disease; Subacute necrotizing encephalopathy; Necrotizing encephalopathy infantile subacute of Leigh. Identifiers: Orphanet 506, MedGen C2931891, MONDO:0009723, OMIM 256000.

Submission:

Wong Mito Lab, Molecular and Human Genetics, Baylor College of Medicine
Classification: Uncertain significance for Leigh syndrome. Last evaluated: 2019-10-17. Review status: criteria provided, single submitter. Criteria: Modified ACMG Guidelines (Unpublished). Collection method: clinical testing. Allele origin: germline.
Comment: The NC_012920.1:m.11043A>G (YP_003024035.1:p.Tyr95Cys) variant in MTND4 gene is interpretated to be a Uncertain Significance variant based on the modified ACMG guidelines (unpublished). This variant meets the following evidence codes: no criteria